The following is an entry in ClinVar:

ClinVar aggregate classification (germline): Conflicting classifications of pathogenicity. Review status: criteria provided, conflicting classifications (1 of 4 stars). 4 submissions from 4 submitters: Uncertain significance (1); Likely benign (3). Last evaluated 2026-01-17.

Conditions:
Primary ciliary dyskinesia 32. Also called: CILIARY DYSKINESIA, PRIMARY, 32, WITHOUT SITUS INVERSUS. Identifiers: Orphanet 244, MedGen C4225311, MONDO:0014657, OMIM 616481.
Inborn genetic diseases. Identifiers: MedGen C0950123, MeSH D030342.

Allele frequency attached by ClinVar (database versions not stated): gnomAD 0.00026 and 0.00038; TOPMed 0.00028; ESP Exome Variant Server 0.00054; gnomAD exomes 0.00057 and 0.00062; ExAC 0.00064; 1000 Genomes Project 30x 0.00141; 1000 Genomes Project 0.00160.
gnomAD v4.1: 906 of 1,612,508 alleles (0.056%); highest among the groups gnomAD compares: South Asian, 0.31%; 4 homozygotes.

Submissions (4):

Labcorp Genetics (formerly Invitae), Labcorp
Classification: Likely benign for Primary ciliary dyskinesia 32. Last evaluated: 2026-01-17. Review status: criteria provided, single submitter. Criteria: Invitae Variant Classification Sherloc (09022015). Collection method: clinical testing. Allele origin: germline.

Mayo Clinic Laboratories, Mayo Clinic
Classification: Likely benign. Last evaluated: 2025-10-17. Review status: criteria provided, single submitter. Criteria: ACMG Guidelines, 2015. Collection method: clinical testing. Allele origin: germline. Observed: 1 variant allele.
Comment: BS1

Ambry Genetics
Classification: Uncertain significance for Inborn genetic diseases. Last evaluated: 2023-10-02. Review status: criteria provided, single submitter. Criteria: Ambry Variant Classification Scheme 2023. Collection method: clinical testing. Allele origin: germline.

CeGaT Center for Human Genetics Tuebingen
Classification: Likely benign. Last evaluated: 2023-07-01. Review status: criteria provided, single submitter. Criteria: CeGaT Center For Human Genetics Tuebingen Variant Classification Criteria Version 2. Collection method: clinical testing. Allele origin: germline. Affected: yes. Observed: 1 variant allele.
Comment: RSPH3: BS2

NM_031924.8(RSPH3):c.157A>G (p.Arg53Gly)

Gene: RSPH3 (radial spoke head 3; minus strand). Cytogenetic location: 6q25.3.
Variant type: single nucleotide variant.
Coding change: c.157A>G on transcript NM_031924.8 (MANE Select); coding-DNA position 157, A replaced by G.
Protein change: p.Arg53Gly; replaces arginine 53 with glycine.
Molecular consequence: missense variant. On other transcripts: non-coding transcript variant (1).
Genome position (GRCh38, 1-based): chr6:158,993,886, T>C on the plus strand (A>G on the coding strand, the complement: RSPH3 is on the minus strand). VCF-style: chr6-158993886-T-C. GRCh37 (hg19) VCF-style: chr6-159414918-T-C.
Other names: p.Arg195Gly; c.583A>G, p.Arg195Gly (NM_001346418.1); c.583A>G (NM_031924.6); short protein forms R195G, R53G.
Identifiers: ClinVar variation 707669 (VCV000707669.34), dbSNP rs200757145, ClinGen allele CA4075979.